The following is an entry in ClinVar:

NM_004958.4(MTOR):c.705+6G>C

Gene: MTOR (mechanistic target of rapamycin kinase; minus strand). Cytogenetic location: 1p36.22.
Variant type: single nucleotide variant.
Coding change: c.705+6G>C on transcript NM_004958.4 (MANE Select); 6 bases into the intron after coding-DNA position 705, G replaced by C.
Molecular consequence: intron variant.
Genome position (GRCh38, 1-based): chr1:11,255,986, C>G on the plus strand (G>C on the coding strand, the complement: MTOR is on the minus strand). VCF-style: chr1-11255986-C-G. GRCh37 (hg19) VCF-style: chr1-11316043-C-G.
Other names: c.-435+6G>C (NM_001386501.1); c.705+6G>C (NM_001386500.1).
Identifiers: ClinVar variation 2907904 (VCV002907904.3), dbSNP rs1265134065, ClinGen allele CA885596629.

ClinVar aggregate classification (germline): Uncertain significance (1 of 4 stars; one submission).

Allele frequency attached by ClinVar (database versions not stated): TOPMed below 0.00001.

Submission:

Labcorp Genetics (formerly Invitae), Labcorp
Classification: Uncertain significance. Last evaluated: 2023-04-09. Review status: criteria provided, single submitter. Criteria: Invitae Variant Classification Sherloc (09022015). Collection method: clinical testing. Allele origin: germline.
Comment: In summary, the available evidence is currently insufficient to determine the role of this variant in disease. Therefore, it has been classified as a Variant of Uncertain Significance. Variants that disrupt the consensus splice site are a relatively common cause of aberrant splicing (PMID: 17576681, 9536098). Algorithms developed to predict the effect of sequence changes on RNA splicing suggest that this variant is not likely to affect RNA splicing. This variant has not been reported in the literature in individuals affected with MTOR-related conditions. This variant is not present in population databases (gnomAD no frequency). This sequence change falls in intron 5 of the MTOR gene. It does not directly change the encoded amino acid sequence of the MTOR protein. It affects a nucleotide within the consensus splice site.

Literature cited by the submitters: PubMed 17576681; PubMed 9536098.